The following is an entry in ClinVar:

ClinVar aggregate classification (germline): Conflicting classifications of pathogenicity. Review status: criteria provided, conflicting classifications (1 of 4 stars). 5 submissions from 5 submitters: Uncertain significance (1); Likely benign (3). 1 of the submissions does not count toward it. Last evaluated 2025-11-23.

Conditions:
NDUFA9-related disorder. Also called: NDUFA9-related condition.
Mitochondrial complex I deficiency, nuclear type 26. Also called: Mitochondrial complex 1 deficiency, nuclear type 26. Identifiers: MedGen C4748809, MONDO:0032630, OMIM 618247.

Allele frequency attached by ClinVar (database versions not stated): gnomAD exomes 0.00020 and 0.00052; ExAC 0.00067; 1000 Genomes Project 30x 0.00078; 1000 Genomes Project 0.00100; gnomAD 0.00202 and 0.00225; TOPMed 0.00236; ESP Exome Variant Server 0.00292.
gnomAD v4.1: 608 of 1,614,086 alleles (0.038%); highest among the groups gnomAD compares: African/African-American, 0.73%; no homozygotes.

Submissions (5):

Labcorp Genetics (formerly Invitae), Labcorp
Classification: Likely benign. Last evaluated: 2025-11-23. Review status: criteria provided, single submitter. Criteria: Invitae Variant Classification Sherloc (09022015). Collection method: clinical testing. Allele origin: germline.

Women's Health and Genetics/Laboratory Corporation of America, LabCorp
Classification: Likely benign. Last evaluated: 2022-12-12. Review status: criteria provided, single submitter. Criteria: LabCorp Variant Classification Summary - May 2015. Collection method: clinical testing. Allele origin: germline.
Comment: Variant summary: NDUFA9 c.942A>G (p.Ile314Met) results in a conservative amino acid change in the encoded protein sequence. Four of five in-silico tools predict a benign effect of the variant on protein function. The variant allele was found at a frequency of 0.00052 in 251456 control chromosomes, predominantly at a frequency of 0.007 within the African or African-American subpopulation in the gnomAD database. The observed variant frequency within African or African-American control individuals in the gnomAD database is approximately 6-fold of the estimated maximal expected allele frequency for a pathogenic variant in NDUFA9 causing Mitochondrial Complex 1 Deficiency, Nuclear Type 26 phenotype (0.0011), strongly suggesting that the variant is a benign polymorphism found primarily in populations of African or African-American origin. To our knowledge, no occurrence of c.942A>G in individuals affected with Mitochondrial Complex 1 Deficiency, Nuclear Type 26 and no experimental evidence demonstrating its impact on protein function have been reported. Two clinical diagnostic laboratories have submitted clinical-significance assessments for this variant to ClinVar after 2014 without evidence for independent evaluation. All laboratories classified the variant as likely benign. Based on the evidence outlined above, the variant was classified as likely benign.

Baylor Genetics
Classification: Uncertain significance for Mitochondrial complex I deficiency, nuclear type 26. Last evaluated: 2021-03-17. Review status: criteria provided, single submitter. Criteria: ACMG Guidelines, 2015. Collection method: clinical testing. Allele origin: unknown.

GeneDx
Classification: Likely benign. Last evaluated: 2020-01-30. Review status: criteria provided, single submitter. Criteria: GeneDx Variant Classification Process June 2021. Collection method: clinical testing. Allele origin: germline. Affected: yes.

PreventionGenetics, part of Exact Sciences
Classification: Likely benign for NDUFA9-related condition. Last evaluated: 2019-08-13. Review status: no assertion criteria provided. Collection method: clinical testing. Allele origin: germline. Not counted in ClinVar's aggregate classification.
Comment: This variant is classified as likely benign based on ACMG/AMP sequence variant interpretation guidelines (Richards et al. 2015 PMID: 25741868, with internal and published modifications).

NM_005002.5(NDUFA9):c.942A>G (p.Ile314Met)

Gene: NDUFA9 (NADH:ubiquinone oxidoreductase subunit A9; plus strand). Cytogenetic location: 12p13.32.
Variant type: single nucleotide variant.
Coding change: c.942A>G on transcript NM_005002.5 (MANE Select); coding-DNA position 942, A replaced by G.
Protein change: p.Ile314Met; replaces isoleucine 314 with methionine.
Molecular consequence: missense variant.
Genome position (GRCh38, 1-based): chr12:4,685,304, A>G. VCF-style: chr12-4685304-A-G. GRCh37 (hg19) VCF-style: chr12-4794470-A-G.
Other names: short protein forms I314M.
Identifiers: ClinVar variation 214715 (VCV000214715.16), dbSNP rs139674448, ClinGen allele CA321594.